The following is an entry in ClinVar:

NM_005051.3(QARS1):c.1542A>G (p.Pro514=)

Gene: QARS1 (glutaminyl-tRNA synthetase 1; minus strand). Cytogenetic location: 3p21.31.
Variant type: single nucleotide variant.
Coding change: c.1542A>G on transcript NM_005051.3 (MANE Select); coding-DNA position 1542, A replaced by G.
Protein change: p.Pro514=; no amino-acid change (proline 514 retained).
Molecular consequence: synonymous variant. On other transcripts: non-coding transcript variant (1).
Genome position (GRCh38, 1-based): chr3:49,099,416, T>C on the plus strand (A>G on the coding strand, the complement: QARS1 is on the minus strand). VCF-style: chr3-49099416-T-C. GRCh37 (hg19) VCF-style: chr3-49136849-T-C.
Other names: c.1509A>G, p.Pro503= (NM_001272073.2); c.1542A>G (NM_005051.1).
Identifiers: ClinVar variation 388044 (VCV000388044.12), dbSNP rs370232570, ClinGen allele CA2391711.

ClinVar aggregate classification (germline): Benign/Likely benign. Review status: criteria provided, multiple submitters, no conflicts (2 of 4 stars). 6 submissions from 6 submitters: Benign (1); Likely benign (3). 2 of the submissions do not count toward it. Last evaluated 2026-01-26.

Conditions:
Diffuse cerebral and cerebellar atrophy - intractable seizures - progressive microcephaly syndrome. Also called: Microcephaly, progressive, with seizures and cerebral and cerebellar atrophy. Identifiers: Orphanet 404437, MedGen C4014239, MONDO:0014335, OMIM 615760.

Allele frequency attached by ClinVar (database versions not stated): gnomAD 0.00004 and 0.00008; ESP Exome Variant Server 0.00008; TOPMed 0.00014; ExAC 0.00020; gnomAD exomes 0.00023.
gnomAD v4.1: 185 of 1,614,118 alleles (0.011%); highest among the groups gnomAD compares: Middle Eastern, 0.13%; 2 homozygotes.

Submissions (6):

Labcorp Genetics (formerly Invitae), Labcorp
Classification: Likely benign for Diffuse cerebral and cerebellar atrophy - intractable seizures - progressive microcephaly syndrome. Last evaluated: 2026-01-26. Review status: criteria provided, single submitter. Criteria: Invitae Variant Classification Sherloc (09022015). Collection method: clinical testing. Allele origin: germline.

Athena Diagnostics
Classification: Benign. Last evaluated: 2025-02-04. Review status: criteria provided, single submitter. Criteria: Athena Diagnostics Criteria. Collection method: clinical testing. Allele origin: unknown.
Comment: The frequency of this variant in the general population is higher than would generally be expected for pathogenic variants in this gene. Computational tools yielded predictions that this variant is unlikely to have an effect on normal RNA splicing. This nucleotide position exhibits low evolutionary conservation.

Blueprint Genetics
Classification: Likely benign. Last evaluated: 2024-09-12. Review status: criteria provided, single submitter. Criteria: ACMG Guidelines, 2015. Collection method: clinical testing. Allele origin: germline.

GeneDx
Classification: Likely benign. Last evaluated: 2020-02-05. Review status: criteria provided, single submitter. Criteria: GeneDx Variant Classification Process June 2021. Collection method: clinical testing. Allele origin: germline. Affected: yes.

Clinical Genetics DNA and cytogenetics Diagnostics Lab, Erasmus MC, Erasmus Medical Center
Classification: Likely benign. Review status: no assertion criteria provided. Collection method: clinical testing. Allele origin: germline. Affected: yes. Study: VKGL Data-share Consensus. Not counted in ClinVar's aggregate classification.

Genome Diagnostics Laboratory, University Medical Center Utrecht
Classification: Likely benign. Review status: no assertion criteria provided. Collection method: clinical testing. Allele origin: germline. Affected: yes. Study: VKGL Data-share Consensus. Not counted in ClinVar's aggregate classification.